The following is an entry in ClinVar:

NM_001134831.2(AHI1):c.2801A>G (p.Asn934Ser)

Gene: AHI1 (Abelson helper integration site 1; minus strand). Cytogenetic location: 6q23.3.
Variant type: single nucleotide variant.
Coding change: c.2801A>G on transcript NM_001134831.2 (MANE Select); coding-DNA position 2801, A replaced by G.
Protein change: p.Asn934Ser; replaces asparagine 934 with serine.
Molecular consequence: missense variant.
Genome position (GRCh38, 1-based): chr6:135,411,508, T>C on the plus strand (A>G on the coding strand, the complement: AHI1 is on the minus strand). VCF-style: chr6-135411508-T-C. GRCh37 (hg19) VCF-style: chr6-135732646-T-C.
Other names: c.2801A>G, p.Asn934Ser (NM_001134830.2, NM_001134832.2, NM_001350503.2 and 2 more transcripts); short protein forms N934S.
Identifiers: ClinVar variation 2164962 (VCV002164962.1), dbSNP rs546750537, ClinGen allele CA4012261.
Genomic context (GRCh38, chr6:135,411,508, plus strand): 5'-TTTGGACAGGTACATAGGGCATCTTGACTTTGGTGTATTCCAGGTAATGGAAATGTTCCA[T>C]TGTAGCGTTTGAACATTTCAGCCTCCTGCTGGGCAACTGAAGAAATGAATCCATAATTAG-3'
Protein context (NP_001128303.1, residues 924-944): QQEAEMFKRY[Asn934Ser]GTFPLPGIHQ

ClinVar aggregate classification (germline): Uncertain significance (1 of 4 stars; one submission).

Conditions:
Joubert syndrome. Also called: CEREBELLOPARENCHYMAL DISORDER IV; JOUBERT-BOLTSHAUSER SYNDROME; Familial aplasia of the vermis. Identifiers: Orphanet 475, MedGen C5979921, MONDO:0018772.

Allele frequency attached by ClinVar (database versions not stated): gnomAD 0.00002; TOPMed 0.00002; ExAC 0.00003; gnomAD exomes 0.00003; 1000 Genomes Project 30x 0.00031; 1000 Genomes Project 0.00040.

Submission:

Labcorp Genetics (formerly Invitae), Labcorp
Classification: Uncertain significance for Joubert syndrome. Last evaluated: 2022-08-05. Review status: criteria provided, single submitter. Criteria: Invitae Variant Classification Sherloc (09022015). Collection method: clinical testing. Allele origin: germline.
Comment: This sequence change replaces asparagine, which is neutral and polar, with serine, which is neutral and polar, at codon 934 of the AHI1 protein (p.Asn934Ser). This variant is present in population databases (rs546750537, gnomAD 0.007%). This variant has not been reported in the literature in individuals affected with AHI1-related conditions. Advanced modeling of protein sequence and biophysical properties (such as structural, functional, and spatial information, amino acid conservation, physicochemical variation, residue mobility, and thermodynamic stability) performed at Invitae indicates that this missense variant is not expected to disrupt AHI1 protein function. In summary, the available evidence is currently insufficient to determine the role of this variant in disease. Therefore, it has been classified as a Variant of Uncertain Significance.